The following is an entry in ClinVar:

NM_145261.4(DNAJC19):c.32C>T (p.Thr11Ile)

Gene: DNAJC19 (DnaJ heat shock protein family (Hsp40) member C19; minus strand). Cytogenetic location: 3q26.33.
Variant type: single nucleotide variant.
Coding change: c.32C>T on transcript NM_145261.4 (MANE Select); coding-DNA position 32, C replaced by T.
Protein change: p.Thr11Ile; replaces threonine 11 with isoleucine.
Molecular consequence: missense variant. On other transcripts: 5 prime UTR variant (1), non-coding transcript variant (2).
Genome position (GRCh38, 1-based): chr3:180,988,201, G>A on the plus strand (C>T on the coding strand, the complement: DNAJC19 is on the minus strand). VCF-style: chr3-180988201-G-A. GRCh37 (hg19) VCF-style: chr3-180705989-G-A.
Other names: c.-44C>T (NM_001190233.2); short protein forms T11I.
Identifiers: ClinVar variation 862872 (VCV000862872.9), dbSNP rs1715007911, ClinGen allele CA355472809.

ClinVar aggregate classification (germline): Uncertain significance (1 of 4 stars; one submission).

Conditions:
3-methylglutaconic aciduria type 5. Also called: MGA, TYPE V; CARDIOMYOPATHY, DILATED, WITH ATAXIA; 3 alpha methylglutaconic aciduria type V; MGA 5. Identifiers: Orphanet 66634, MedGen C1857776, MONDO:0012435, OMIM 610198.

Submission:

Labcorp Genetics (formerly Invitae), Labcorp
Classification: Uncertain significance for 3-methylglutaconic aciduria type 5. Last evaluated: 2022-08-09. Review status: criteria provided, single submitter. Criteria: Invitae Variant Classification Sherloc (09022015). Collection method: clinical testing. Allele origin: germline.
Comment: In summary, the available evidence is currently insufficient to determine the role of this variant in disease. Therefore, it has been classified as a Variant of Uncertain Significance. Algorithms developed to predict the effect of missense changes on protein structure and function (SIFT, PolyPhen-2, Align-GVGD) all suggest that this variant is likely to be tolerated. ClinVar contains an entry for this variant (Variation ID: 862872). This variant has not been reported in the literature in individuals affected with DNAJC19-related conditions. This variant is not present in population databases (gnomAD no frequency). This sequence change replaces threonine, which is neutral and polar, with isoleucine, which is neutral and non-polar, at codon 11 of the DNAJC19 protein (p.Thr11Ile).